The following is an entry in ClinVar:

NM_006129.5(BMP1):c.1072del (p.Glu358fs)

Gene: BMP1 (bone morphogenetic protein 1; plus strand). Cytogenetic location: 8p21.3.
Variant type: Deletion.
Coding change: c.1072del on transcript NM_006129.5 (MANE Select); coding-DNA position 1072, one base deleted (G; older notation c.1072delG).
Protein change: p.Glu358fs; shifts the reading frame from glutamic acid 358.
Molecular consequence: frameshift variant. On other transcripts: non-coding transcript variant (2).
Genome position (GRCh38, 1-based): chr8:22,180,478, G deleted; the last of 4 consecutive G bases (chr8:22,180,475-22,180,478); deleting any one gives the same sequence. VCF-style (leftmost placement, unchanged base first): chr8-22180474-CG-C. GRCh37 (hg19) VCF-style: chr8-22037987-CG-C.
Other names: c.1072del, p.Glu358fs (NM_001199.4); short protein forms E358fs.
Identifiers: ClinVar variation 2862468 (VCV002862468.3), dbSNP rs2538985731, ClinGen allele CA2579111485.

ClinVar aggregate classification (germline): Pathogenic (1 of 4 stars; one submission).

Submission:

Labcorp Genetics (formerly Invitae), Labcorp
Classification: Pathogenic. Last evaluated: 2023-05-07. Review status: criteria provided, single submitter. Criteria: Invitae Variant Classification Sherloc (09022015). Collection method: clinical testing. Allele origin: germline.
Comment: This sequence change creates a premature translational stop signal (p.Glu358Argfs*5) in the BMP1 gene. It is expected to result in an absent or disrupted protein product. Loss-of-function variants in BMP1 are known to be pathogenic (PMID: 25656619, 27576954, 28257626). This variant is not present in population databases (gnomAD no frequency). For these reasons, this variant has been classified as Pathogenic. This variant has not been reported in the literature in individuals affected with BMP1-related conditions.

Literature cited by the submitters: PubMed 25656619; PubMed 27576954; PubMed 28257626.